The following is an entry in ClinVar:

ClinVar aggregate classification (germline): Uncertain significance (0 of 4 stars; one submission).

Conditions:
GABRA5-related disorder. Also called: GABRA5-related condition.

Submission:

PreventionGenetics, part of Exact Sciences
Classification: Uncertain significance for GABRA5-related condition. Last evaluated: 2023-10-25. Review status: no assertion criteria provided. Collection method: clinical testing. Allele origin: germline.
Comment: The GABRA5 c.31A>G variant is predicted to result in the amino acid substitution p.Met11Val. To our knowledge, this variant has not been reported in the literature or in a large population database, indicating this variant is rare. At this time, the clinical significance of this variant is uncertain due to the absence of conclusive functional and genetic evidence.

NM_000810.4(GABRA5):c.31A>G (p.Met11Val)

Gene: GABRA5 (gamma-aminobutyric acid type A receptor subunit alpha5; plus strand). Cytogenetic location: 15q12.
Variant type: single nucleotide variant.
Coding change: c.31A>G on transcript NM_000810.4 (MANE Select); coding-DNA position 31, A replaced by G.
Protein change: p.Met11Val; replaces methionine 11 with valine.
Molecular consequence: missense variant.
Genome position (GRCh38, 1-based): chr15:26,869,279, A>G. VCF-style: chr15-26869279-A-G. GRCh37 (hg19) VCF-style: chr15-27114426-A-G.
Other names: c.31A>G, p.Met11Val (NM_001165037.2); short protein forms M11V.
Identifiers: ClinVar variation 3056823 (VCV003056823.2), dbSNP rs2504169040, ClinGen allele CA391461174.